The following is an entry in ClinVar:

ClinVar aggregate classification (germline): Likely benign (1 of 4 stars; one submission).

gnomAD v4.1: 126 of 1,612,784 alleles (0.0078%); highest among the groups gnomAD compares: East Asian, 0.13%; 1 homozygote.

Submission:

CeGaT Center for Human Genetics Tuebingen
Classification: Likely benign. Last evaluated: 2026-03-01. Review status: criteria provided, single submitter. Criteria: CeGaT Center For Human Genetics Tuebingen Variant Classification Criteria Version 2. Collection method: clinical testing. Allele origin: germline. Affected: yes. Observed: 1 variant allele.
Comment: METTL27: BP4, BP7

NM_152559.3(METTL27):c.504G>A (p.Arg168=)

Gene: METTL27 (methyltransferase like 27; minus strand). Cytogenetic location: 7q11.23.
Variant type: single nucleotide variant.
Coding change: c.504G>A on transcript NM_152559.3 (MANE Select); coding-DNA position 504, G replaced by A.
Protein change: p.Arg168=; no amino-acid change (arginine 168 retained).
Molecular consequence: synonymous variant.
Genome position (GRCh38, 1-based): chr7:73,834,977, C>T on the plus strand (G>A on the coding strand, the complement: METTL27 is on the minus strand). VCF-style: chr7-73834977-C-T. GRCh37 (hg19) VCF-style: chr7-73249307-C-T.
Identifiers: ClinVar variation 4820902 (VCV004820902.4).